The following is an entry in ClinVar:

NC_000023.10:g.(?_64135686)_(64196331_?)dup

Gene: ZC4H2 (zinc finger C4H2-type containing; minus strand). Cytogenetic location: Xq11.2.
Variant type: Duplication.
Identifiers: ClinVar variation 4847294 (VCV004847294.1).

ClinVar aggregate classification (germline): Uncertain significance (1 of 4 stars; one submission).

Submission:

Women's Health and Genetics/Laboratory Corporation of America, LabCorp
Classification: Uncertain significance. Last evaluated: 2026-03-12. Review status: criteria provided, single submitter. Criteria: LabCorp Variant Classification Summary - May 2015. Collection method: clinical testing. Allele origin: germline.
Comment: Variant summary: The variant involves the duplication of exons 1-5 in the ZC4H2 gene. A presumed nomenclature of c.(?_-74)_(*1977_?)dup has been designated for the purposes of this classification. This duplication includes the entire coding sequence of the gene. As exact breakpoints are unknown, it may extend beyond the annotated region of the gene, to include other flanking genes. The frequency of this variant in the general population could not be determined as the technology used for large population databases (ExAC, gnomAD, ESP, 1000G) cannot detect variants of this type. The available data on variant occurrences in the general population are insufficient to allow any conclusion about variant significance. To our knowledge, no occurrence of c.(?_-74)_(*1977_?)dup in individuals affected with ZC4H2-related conditions and no experimental evidence demonstrating its impact on protein function have been reported. No submitters have cited clinical-significance assessments for this variant to ClinVar. Based on the evidence outlined above, the variant was classified as uncertain significance.